The following is an entry in ClinVar:

NM_004780.3(TCEAL1):c.196G>T (p.Glu66Ter)

Gene: TCEAL1 (transcription elongation factor A like 1; plus strand). Cytogenetic location: Xq22.2.
Variant type: single nucleotide variant.
Coding change: c.196G>T on transcript NM_004780.3 (MANE Select); coding-DNA position 196, G replaced by T.
Protein change: p.Glu66Ter; replaces glutamic acid 66 with a stop codon.
Molecular consequence: nonsense.
Genome position (GRCh38, 1-based): chrX:103,630,112, G>T. VCF-style: chrX-103630112-G-T. GRCh37 (hg19) VCF-style: chrX-102885040-G-T.
Other names: c.196G>T, p.Glu66Ter (NM_001006639.2, NM_001006640.2); short protein forms E66*.
Identifiers: ClinVar variation 3175047 (VCV003175047.1), dbSNP rs1603180742, ClinGen allele CA414095854.

ClinVar aggregate classification (germline): Pathogenic (1 of 4 stars; one submission).

Conditions:
Inborn genetic diseases. Identifiers: MedGen C0950123, MeSH D030342.

Submission:

Ambry Genetics
Classification: Pathogenic for Inborn genetic diseases. Last evaluated: 2023-10-27. Review status: criteria provided, single submitter. Criteria: Ambry Variant Classification Scheme 2023. Collection method: clinical testing. Allele origin: germline.
Comment: The c.196G>T (p.E66*) alteration, located in exon 3 (coding exon 1) of the TCEAL1 gene, consists of a G to T substitution at nucleotide position 196. This changes the amino acid from a glutamic acid (E) to a stop codon at amino acid position 66. Premature stop codons are typically deleterious in nature; however, because TCEAL1 is a single-exon gene this alteration is not expected to trigger nonsense-mediated mRNA decay. This alteration removes the last 93 amino acids of the protein and the exact functional impact of these amino acids is unknown at this time; however the impacted region is critical for protein function and a significant portion of the protein is affected (Ambry internal data). This variant was not reported in population-based cohorts in the Genome Aggregation Database (gnomAD). Based on the available evidence, this alteration is classified as pathogenic.